The following is an entry in ClinVar:

ClinVar aggregate classification (germline): Uncertain significance. Review status: criteria provided, multiple submitters, no conflicts (2 of 4 stars). 2 submissions from 2 submitters: Uncertain significance (2). Last evaluated 2025-09-30.

Conditions:
Hereditary cancer-predisposing syndrome. Also called: Tumor predisposition; Hereditary neoplastic syndrome; Hereditary Cancer Syndrome; Neoplastic Syndromes, Hereditary. Identifiers: Orphanet 140162, MedGen C0027672, MeSH D009386, MONDO:0015356.
EGFR-related lung cancer (EGFR). Identifiers: MedGen CN130014.

Submissions (2):

Ambry Genetics
Classification: Uncertain significance for Hereditary cancer-predisposing syndrome. Last evaluated: 2025-09-30. Review status: criteria provided, single submitter. Criteria: Ambry Variant Classification Scheme 2023. Collection method: clinical testing. Allele origin: germline.
Comment: The c.2061+3G>A intronic variant results from a G to A substitution 3 nucleotides after coding exon 17 in the EGFR gene. This nucleotide position is not well conserved in available vertebrate species. In silico splice site analysis predicts that this alteration will not have any significant effect on splicing. Based on the available evidence, the clinical significance of this variant remains unclear.

Labcorp Genetics (formerly Invitae), Labcorp
Classification: Uncertain significance for EGFR-related lung cancer. Last evaluated: 2024-08-31. Review status: criteria provided, single submitter. Criteria: Invitae Variant Classification Sherloc (09022015). Collection method: clinical testing. Allele origin: germline.
Comment: This sequence change falls in intron 17 of the EGFR gene. It does not directly change the encoded amino acid sequence of the EGFR protein. It affects a nucleotide within the consensus splice site. This variant is not present in population databases (gnomAD no frequency). This variant has not been reported in the literature in individuals affected with EGFR-related conditions. ClinVar contains an entry for this variant (Variation ID: 935799). Variants that disrupt the consensus splice site are a relatively common cause of aberrant splicing (PMID: 17576681, 9536098). Algorithms developed to predict the effect of sequence changes on RNA splicing suggest that this variant is not likely to affect RNA splicing. In summary, the available evidence is currently insufficient to determine the role of this variant in disease. Therefore, it has been classified as a Variant of Uncertain Significance.

Literature cited by the submitters: PubMed 17576681 (cited by Labcorp Genetics (formerly Invitae), Labcorp); PubMed 9536098 (cited by Labcorp Genetics (formerly Invitae), Labcorp).

NM_005228.5(EGFR):c.2061+3G>A

Gene: EGFR (epidermal growth factor receptor; plus strand). Cytogenetic location: 7p11.2.
Variant type: single nucleotide variant.
Coding change: c.2061+3G>A on transcript NM_005228.5 (MANE Select); 3 bases into the intron after coding-DNA position 2061, G replaced by A.
Molecular consequence: intron variant.
Genome position (GRCh38, 1-based): chr7:55,173,127, G>A. VCF-style: chr7-55173127-G-A. GRCh37 (hg19) VCF-style: chr7-55240820-G-A.
Other names: c.1902+3G>A (NM_001346900.2); c.1926+3G>A (NM_001346899.2, NM_001346897.2); c.1260+3G>A (NM_001346941.2); c.2061+3G>A (NM_001346898.2).
Identifiers: ClinVar variation 935799 (VCV000935799.8), dbSNP rs1786433622, ClinGen allele CA1139660084.